The following is an entry in ClinVar:

NM_002295.6(RPSA):c.350G>A (p.Arg117Gln)

Gene: RPSA (ribosomal protein SA; plus strand). Cytogenetic location: 3p22.1.
Variant type: single nucleotide variant.
Coding change: c.350G>A on transcript NM_002295.6 (MANE Select); coding-DNA position 350, G replaced by A.
Protein change: p.Arg117Gln; replaces arginine 117 with glutamine.
Molecular consequence: missense variant.
Genome position (GRCh38, 1-based): chr3:39,410,851, G>A. VCF-style: chr3-39410851-G-A. GRCh37 (hg19) VCF-style: chr3-39452342-G-A.
Other names: c.365G>A, p.Arg122Gln (NM_001304288.2); short protein forms R122Q, R117Q.
Identifiers: ClinVar variation 3652131 (VCV003652131.2).

ClinVar aggregate classification (germline): Uncertain significance (1 of 4 stars; one submission).

gnomAD v4.1: 1 of 1,602,176 alleles (0.000062%); highest among the groups gnomAD compares: Admixed American, 0.0017%; no homozygotes.

Submission:

Labcorp Genetics (formerly Invitae), Labcorp
Classification: Uncertain significance. Last evaluated: 2024-05-04. Review status: criteria provided, single submitter. Criteria: Invitae Variant Classification Sherloc (09022015). Collection method: clinical testing. Allele origin: germline.
Comment: This sequence change replaces arginine, which is basic and polar, with glutamine, which is neutral and polar, at codon 117 of the RPSA protein (p.Arg117Gln). This variant is present in population databases (no rsID available, gnomAD 0.003%). This variant has not been reported in the literature in individuals affected with RPSA-related conditions. Advanced modeling of protein sequence and biophysical properties (such as structural, functional, and spatial information, amino acid conservation, physicochemical variation, residue mobility, and thermodynamic stability) performed at Invitae indicates that this missense variant is not expected to disrupt RPSA protein function with a negative predictive value of 80%. In summary, the available evidence is currently insufficient to determine the role of this variant in disease. Therefore, it has been classified as a Variant of Uncertain Significance.